The following is an entry in ClinVar:

ClinVar aggregate classification (germline): Uncertain significance. Review status: criteria provided, multiple submitters, no conflicts (2 of 4 stars). 3 submissions from 3 submitters: Uncertain significance (3). Last evaluated 2025-03-25.

Conditions:
CHARGE syndrome (CHARGE). Also called: CHARGE ASSOCIATION--COLOBOMA, HEART ANOMALY, CHOANAL ATRESIA, RETARDATION, GENITAL AND EAR ANOMALIES; Hittner Hirsch Kreh syndrome; Coloboma, heart anomaly, choanal atresia, retardation, genital and ear anomalies; CHARGE association; Hall-Hittner syndrome. Identifiers: Orphanet 138, MedGen C0265354, MONDO:0008965.
Hypogonadotropic hypogonadism 5 with or without anosmia (KAL5). Also called: HYPOGONADOTROPIC HYPOGONADISM 5 WITH ANOSMIA; HYPOGONADOTROPHIC HYPOGONADISM 5 WITHOUT ANOSMIA; CHD7-Related GnRH Deficiency (Kallmann Syndrome 5). Identifiers: Orphanet 478, MedGen C3552553, MONDO:0012880, OMIM 612370. Disease mechanism: loss of function.

Allele frequency attached by ClinVar (database versions not stated): TOPMed 0.00001.
gnomAD v4.1: 1 of 1,613,352 alleles (0.000062%); no homozygotes.

Submissions (3):

Labcorp Genetics (formerly Invitae), Labcorp
Classification: Uncertain significance for CHARGE syndrome. Last evaluated: 2025-03-25. Review status: criteria provided, single submitter. Criteria: Invitae Variant Classification Sherloc (09022015). Collection method: clinical testing. Allele origin: germline.
Comment: This sequence change replaces proline, which is neutral and non-polar, with leucine, which is neutral and non-polar, at codon 1587 of the CHD7 protein (p.Pro1587Leu). This variant is not present in population databases (gnomAD no frequency). This variant has not been reported in the literature in individuals affected with CHD7-related conditions. ClinVar contains an entry for this variant (Variation ID: 158299). Invitae Evidence Modeling of protein sequence and biophysical properties (such as structural, functional, and spatial information, amino acid conservation, physicochemical variation, residue mobility, and thermodynamic stability) indicates that this missense variant is expected to disrupt CHD7 protein function with a positive predictive value of 80%. In summary, the available evidence is currently insufficient to determine the role of this variant in disease. Therefore, it has been classified as a Variant of Uncertain Significance.

Fulgent Genetics
Classification: Uncertain significance for CHD7-related CHARGE syndrome; Hypogonadotropic hypogonadism 5 with or without anosmia. Last evaluated: 2024-04-25. Review status: criteria provided, single submitter. Criteria: ACMG Guidelines, 2015. Collection method: clinical testing. Allele origin: germline.

Genetic Services Laboratory, University of Chicago
Classification: Uncertain significance for CHARGE syndrome. Last evaluated: 2013-02-08. Review status: criteria provided, single submitter. Criteria: ACMG Guidelines, 2007. Collection method: clinical testing. Allele origin: germline. Inheritance: Autosomal dominant inheritance.

NM_017780.4(CHD7):c.4760C>T (p.Pro1587Leu)

Gene: CHD7 (chromodomain helicase DNA binding protein 7; plus strand). Cytogenetic location: 8q12.2.
Variant type: single nucleotide variant.
Coding change: c.4760C>T on transcript NM_017780.4 (MANE Select); coding-DNA position 4760, C replaced by T.
Protein change: p.Pro1587Leu; replaces proline 1587 with leucine.
Molecular consequence: missense variant. On other transcripts: intron variant (1).
Genome position (GRCh38, 1-based): chr8:60,841,962, C>T. VCF-style: chr8-60841962-C-T. GRCh37 (hg19) VCF-style: chr8-61754521-C-T.
Other names: c.4760C>T (LRG_176t1); c.1717-20267C>T (NM_001316690.1); short protein forms P1587L.
Identifiers: ClinVar variation 158299 (VCV000158299.8), dbSNP rs587783444, ClinGen allele CA271306.